The following is an entry in ClinVar:

NM_031443.4(CCM2):c.222G>A (p.Thr74=)

Gene: CCM2 (CCM2 scaffold protein; plus strand). Cytogenetic location: 7p13.
Variant type: single nucleotide variant.
Coding change: c.222G>A on transcript NM_031443.4 (MANE Select); coding-DNA position 222, G replaced by A.
Protein change: p.Thr74=; no amino-acid change (threonine 74 retained).
Molecular consequence: synonymous variant. On other transcripts: non-coding transcript variant (1).
Genome position (GRCh38, 1-based): chr7:45,063,935, G>A. VCF-style: chr7-45063935-G-A. GRCh37 (hg19) VCF-style: chr7-45103534-G-A.
Other names: c.285G>A, p.Thr95= (NM_001029835.2); c.48G>A, p.Thr16= (NM_001167934.2, NM_001363459.2); c.222G>A, p.Thr74= (NM_001167935.2, NM_001363458.2).
Identifiers: ClinVar variation 733083 (VCV000733083.12), dbSNP rs375331762, ClinGen allele CA4246918.

ClinVar aggregate classification (germline): Benign/Likely benign. Review status: criteria provided, multiple submitters, no conflicts (2 of 4 stars). 3 submissions from 3 submitters: Benign (1); Likely benign (1). 1 of the submissions does not count toward it. Last evaluated 2025-07-31.

Conditions:
CCM2-related disorder. Also called: CCM2-related condition.
Inborn genetic diseases. Identifiers: MedGen C0950123, MeSH D030342.
Cerebral cavernous malformation 2. Also called: Familial Cerebral Cavernous Malformation 2. Identifiers: Orphanet 221061, MedGen C1864041, MONDO:0011304, OMIM 603284.

Allele frequency attached by ClinVar (database versions not stated): gnomAD exomes 0.00005 and 0.00015; ESP Exome Variant Server 0.00008; gnomAD 0.00013 and 0.00014; ExAC 0.00016; TOPMed 0.00020.

Submissions (3):

Labcorp Genetics (formerly Invitae), Labcorp
Classification: Benign for Cerebral cavernous malformation 2. Last evaluated: 2025-07-31. Review status: criteria provided, single submitter. Criteria: Invitae Variant Classification Sherloc (09022015). Collection method: clinical testing. Allele origin: germline.

Ambry Genetics
Classification: Likely benign for Inborn genetic diseases. Last evaluated: 2022-05-20. Review status: criteria provided, single submitter. Criteria: Ambry Variant Classification Scheme 2023. Collection method: clinical testing. Allele origin: germline.

PreventionGenetics, part of Exact Sciences
Classification: Likely benign for CCM2-related condition. Last evaluated: 2019-05-01. Review status: no assertion criteria provided. Collection method: clinical testing. Allele origin: germline. Not counted in ClinVar's aggregate classification.
Comment: This variant is classified as likely benign based on ACMG/AMP sequence variant interpretation guidelines (Richards et al. 2015 PMID: 25741868, with internal and published modifications).